The following is an entry in ClinVar:

NM_015559.3(SETBP1):c.4202G>A (p.Arg1401Gln)

Gene: SETBP1 (SET binding protein 1; plus strand). Cytogenetic location: 18q12.3.
Variant type: single nucleotide variant.
Coding change: c.4202G>A on transcript NM_015559.3 (MANE Select); coding-DNA position 4202, G replaced by A.
Protein change: p.Arg1401Gln; replaces arginine 1401 with glutamine.
Molecular consequence: missense variant.
Genome position (GRCh38, 1-based): chr18:45,063,109, G>A. VCF-style: chr18-45063109-G-A. GRCh37 (hg19) VCF-style: chr18-42643074-G-A.
Other names: c.4202G>A (NM_015559.2); short protein forms R1401Q.
Identifiers: ClinVar variation 803487 (VCV000803487.8), dbSNP rs775975116, ClinGen allele CA299945850.
Genomic context (GRCh38, chr18:45,063,109, plus strand): 5'-CTCAATTTCTTATCTCTTCCCCTCCCGCAGTCGGCTCCTCCCTGAAGAAGAGGTTCAAGC[G>A]GCGGGAGATCGAAGCCATCCAGTGCGAAGTGCGGAAGATGTGCAACTACACCAAGATCCT-3'
Protein context (NP_056374.2, residues 1391-1411): VGSSLKKRFK[Arg1401Gln]REIEAIQCEV

ClinVar aggregate classification (germline): Conflicting classifications of pathogenicity. Review status: criteria provided, conflicting classifications (1 of 4 stars). 4 submissions from 4 submitters: Uncertain significance (3); Likely benign (1). Last evaluated 2025-07-21.

Conditions:
Schinzel-Giedion syndrome (SGS). Identifiers: Orphanet 798, MedGen C0265227, MONDO:0010010, OMIM 269150.
SETBP1-related disorder. Also called: SETBP1-related condition; SETBP1-related disorders.

Allele frequency attached by ClinVar (database versions not stated): gnomAD 0.00001; TOPMed 0.00002.
gnomAD v4.1: 3 of 1,613,816 alleles (0.00019%); highest among the groups gnomAD compares: Admixed American, 0.0017%; no homozygotes.

Submissions (4):

Labcorp Genetics (formerly Invitae), Labcorp
Classification: Uncertain significance. Last evaluated: 2025-07-21. Review status: criteria provided, single submitter. Criteria: Invitae Variant Classification Sherloc (09022015). Collection method: clinical testing. Allele origin: germline.
Comment: This sequence change replaces arginine, which is basic and polar, with glutamine, which is neutral and polar, at codon 1401 of the SETBP1 protein (p.Arg1401Gln). This variant is not present in population databases (gnomAD no frequency). This variant has not been reported in the literature in individuals affected with SETBP1-related conditions. ClinVar contains an entry for this variant (Variation ID: 803487). Invitae Evidence Modeling of protein sequence and biophysical properties (such as structural, functional, and spatial information, amino acid conservation, physicochemical variation, residue mobility, and thermodynamic stability) has been performed for this missense variant. However, the output from this modeling did not meet the statistical confidence thresholds required to predict the impact of this variant on SETBP1 protein function. In summary, the available evidence is currently insufficient to determine the role of this variant in disease. Therefore, it has been classified as a Variant of Uncertain Significance.

PreventionGenetics, part of Exact Sciences
Classification: Uncertain significance for SETBP1-related condition. Last evaluated: 2024-10-02. Review status: criteria provided, single submitter. Criteria: ACMG Guidelines, 2015. Collection method: clinical testing. Allele origin: germline.
Comment: The SETBP1 c.4202G>A variant is predicted to result in the amino acid substitution p.Arg1401Gln. To our knowledge, this variant has not been reported in the literature or in a large population database (gnomAD), indicating this variant is rare. At this time, the clinical significance of this variant is uncertain due to the absence of conclusive functional and genetic evidence.

Blueprint Genetics
Classification: Uncertain significance. Last evaluated: 2022-02-14. Review status: criteria provided, single submitter. Criteria: ACMG Guidelines, 2015. Collection method: clinical testing. Allele origin: germline.

Mendelics
Classification: Likely benign for Schinzel-Giedion syndrome. Last evaluated: 2019-05-28. Review status: criteria provided, single submitter. Criteria: Mendelics Assertion Criteria 2017. Collection method: clinical testing. Allele origin: unknown.